The following is an entry in ClinVar:

NM_001145073.3(USP27X):c.124G>A (p.Gly42Ser)

Gene: USP27X (ubiquitin specific peptidase 27 X-linked; plus strand). Cytogenetic location: Xp11.23.
Variant type: single nucleotide variant.
Coding change: c.124G>A on transcript NM_001145073.3 (MANE Select); coding-DNA position 124, G replaced by A.
Protein change: p.Gly42Ser; replaces glycine 42 with serine.
Molecular consequence: missense variant.
Genome position (GRCh38, 1-based): chrX:49,880,431, G>A. VCF-style: chrX-49880431-G-A. GRCh37 (hg19) VCF-style: chrX-49645034-G-A.
Other names: short protein forms G42S.
Identifiers: ClinVar variation 4540384 (VCV004540384.2).

ClinVar aggregate classification (germline): Uncertain significance. Review status: criteria provided, multiple submitters, no conflicts (2 of 4 stars). 2 submissions from 2 submitters: Uncertain significance (2). Last evaluated 2025-06-27.

Submissions (2):

GeneDx
Classification: Uncertain significance. Last evaluated: 2025-06-27. Review status: criteria provided, single submitter. Criteria: GeneDx Variant Classification Process June 2021. Collection method: clinical testing. Allele origin: germline. Affected: yes.
Comment: Not observed at significant frequency in large population cohorts (gnomAD); In silico analysis suggests that this missense variant does not alter protein structure/function; Has not been previously published as pathogenic or benign to our knowledge

Blueprint Genetics
Classification: Uncertain significance. Last evaluated: 2023-10-11. Review status: criteria provided, single submitter. Criteria: ACMG Guidelines, 2015. Collection method: clinical testing. Allele origin: germline.